The following is an entry in ClinVar:

NM_015001.3(SPEN):c.9074C>G (p.Ser3025Cys)

Gene: SPEN (spen family transcriptional repressor; plus strand). Cytogenetic location: 1p36.13.
Variant type: single nucleotide variant.
Coding change: c.9074C>G on transcript NM_015001.3 (MANE Select); coding-DNA position 9074, C replaced by G.
Protein change: p.Ser3025Cys; replaces serine 3025 with cysteine.
Molecular consequence: missense variant.
Genome position (GRCh38, 1-based): chr1:15,935,314, C>G. VCF-style: chr1-15935314-C-G. GRCh37 (hg19) VCF-style: chr1-16261809-C-G.
Other names: c.9074C>G (NM_015001.2); short protein forms S3025C.
Identifiers: ClinVar variation 1694494 (VCV001694494.31), dbSNP rs764445929, ClinGen allele CA620403.

ClinVar aggregate classification (germline): Conflicting classifications of pathogenicity. Review status: criteria provided, conflicting classifications (1 of 4 stars). 2 submissions from 2 submitters: Uncertain significance (1); Likely benign (1). Last evaluated 2025-04-05.

Conditions:
Inborn genetic diseases. Identifiers: MedGen C0950123, MeSH D030342.

Allele frequency attached by ClinVar (database versions not stated): TOPMed 0.00001; gnomAD exomes 0.00002; ExAC 0.00003; gnomAD 0.00003.
gnomAD v4.1: 30 of 1,614,016 alleles (0.0019%); highest among the groups gnomAD compares: African/African-American, 0.004%; no homozygotes.

Submissions (2):

Ambry Genetics
Classification: Uncertain significance for Inborn genetic diseases. Last evaluated: 2025-04-05. Review status: criteria provided, single submitter. Criteria: Ambry Variant Classification Scheme 2023. Collection method: clinical testing. Allele origin: germline.

CeGaT Center for Human Genetics Tuebingen
Classification: Likely benign. Last evaluated: 2022-04-01. Review status: criteria provided, single submitter. Criteria: CeGaT Center For Human Genetics Tuebingen Variant Classification Criteria Version 2. Collection method: clinical testing. Allele origin: germline. Affected: yes. Observed: 1 variant allele.
Comment: SPEN: BP4, BS2